The following is an entry in ClinVar:

ClinVar aggregate classification (germline): Uncertain significance. Review status: criteria provided, multiple submitters, no conflicts (2 of 4 stars). 2 submissions from 2 submitters: Uncertain significance (2). Last evaluated 2021-09-17.

Conditions:
Congenital hyperammonemia, type I. Also called: Carbamoyl phosphate synthetase 1 deficiency; Hyperammonemia due to carbamoyl phosphate synthetase 1 deficiency; CPS 1 deficiency; Carbamyl phosphate synthetase (CPS) deficiency; Carbamoyl-phosphate synthase I deficiency; CPS I DEFICIENCY. Identifiers: Orphanet 147, MedGen C4082171, MONDO:0009376, OMIM 237300.

Allele frequency attached by ClinVar (database versions not stated): ExAC 0.00001; gnomAD 0.00002; gnomAD exomes 0.00002 and 0.00010; TOPMed 0.00002.
gnomAD v4.1: 148 of 1,613,130 alleles (0.0092%); highest among the groups gnomAD compares: Non-Finnish European, 0.012%; no homozygotes.

Submissions (2):

Labcorp Genetics (formerly Invitae), Labcorp
Classification: Uncertain significance for Congenital hyperammonemia, type I. Last evaluated: 2021-09-17. Review status: criteria provided, single submitter. Criteria: Invitae Variant Classification Sherloc (09022015). Collection method: clinical testing. Allele origin: germline.
Comment: This sequence change replaces glutamic acid with glycine at codon 1340 of the CPS1 protein (p.Glu1340Gly). The glutamic acid residue is moderately conserved and there is a moderate physicochemical difference between glutamic acid and glycine. This variant is present in population databases (rs748968097, ExAC 0.002%). This variant has not been reported in the literature in individuals with CPS1-related conditions. Algorithms developed to predict the effect of missense changes on protein structure and function are either unavailable or do not agree on the potential impact of this missense change (SIFT: "Tolerated"; PolyPhen-2: "Benign"; Align-GVGD: "Class C0"). In summary, the available evidence is currently insufficient to determine the role of this variant in disease. Therefore, it has been classified as a Variant of Uncertain Significance.

Illumina Laboratory Services, Illumina
Classification: Uncertain significance for Congenital hyperammonemia, type I. Last evaluated: 2018-01-13. Review status: criteria provided, single submitter. Criteria: ICSL Variant Classification Criteria 13 December 2019. Collection method: clinical testing. Allele origin: germline.

NM_001875.5(CPS1):c.4019A>G (p.Glu1340Gly)

Gene: CPS1 (carbamoyl-phosphate synthase 1; plus strand). Cytogenetic location: 2q34.
Variant type: single nucleotide variant.
Coding change: c.4019A>G on transcript NM_001875.5 (MANE Select); coding-DNA position 4019, A replaced by G.
Protein change: p.Glu1340Gly; replaces glutamic acid 1340 with glycine.
Molecular consequence: missense variant. On other transcripts: non-coding transcript variant (2).
Genome position (GRCh38, 1-based): chr2:210,668,202, A>G. VCF-style: chr2-210668202-A-G. GRCh37 (hg19) VCF-style: chr2-211532926-A-G.
Other names: c.4019A>G, p.Glu1340Gly (NM_001122633.3, NM_001369257.1); c.4052A>G, p.Glu1351Gly (NM_001369256.1); short protein forms E1340G, E1351G.
Identifiers: ClinVar variation 896191 (VCV000896191.5), dbSNP rs748968097, ClinGen allele CA2087156.